The following is an entry in ClinVar:

NM_002109.6(HARS1):c.245G>C (p.Arg82Pro)

Gene: HARS1 (histidyl-tRNA synthetase 1; minus strand). Cytogenetic location: 5q31.3.
Variant type: single nucleotide variant.
Coding change: c.245G>C on transcript NM_002109.6 (MANE Select); coding-DNA position 245, G replaced by C.
Protein change: p.Arg82Pro; replaces arginine 82 with proline.
Molecular consequence: missense variant. On other transcripts: intron variant (3).
Genome position (GRCh38, 1-based): chr5:140,683,155, C>G on the plus strand (G>C on the coding strand, the complement: HARS1 is on the minus strand). VCF-style: chr5-140683155-C-G. GRCh37 (hg19) VCF-style: chr5-140062740-C-G.
Other names: c.245G>C, p.Arg82Pro (NM_001258041.3, NM_001289092.2); c.158G>C, p.Arg53Pro (NM_001289094.2); c.181-5140G>C (NM_001289093.2); c.181-3272G>C (NM_001258042.3, NM_001258040.3); short protein forms R53P, R82P.
Identifiers: ClinVar variation 2122331 (VCV002122331.4), dbSNP rs747494880, ClinGen allele CA361259132.

ClinVar aggregate classification (germline): Uncertain significance (1 of 4 stars; one submission).

Conditions:
Usher syndrome type 3B. Also called: USHER SYNDROME, TYPE IIIB. Identifiers: MedGen C3281066, MONDO:0013788, OMIM 614504.

Submission:

Labcorp Genetics (formerly Invitae), Labcorp
Classification: Uncertain significance for Usher syndrome type 3B. Last evaluated: 2022-04-15. Review status: criteria provided, single submitter. Criteria: Invitae Variant Classification Sherloc (09022015). Collection method: clinical testing. Allele origin: germline.
Comment: In summary, the available evidence is currently insufficient to determine the role of this variant in disease. Therefore, it has been classified as a Variant of Uncertain Significance. Algorithms developed to predict the effect of missense changes on protein structure and function (SIFT, PolyPhen-2, Align-GVGD) all suggest that this variant is likely to be tolerated. This variant has not been reported in the literature in individuals affected with HARS-related conditions. This variant is not present in population databases (gnomAD no frequency). This sequence change replaces arginine, which is basic and polar, with proline, which is neutral and non-polar, at codon 82 of the HARS protein (p.Arg82Pro).